The following is an entry in ClinVar:

NM_022336.4(EDAR):c.1073G>A (p.Arg358Gln)

Genes: EDAR (ectodysplasin A receptor; minus strand), RANBP2 (RAN binding protein 2; plus strand). Cytogenetic location: 2q13.
Variant type: single nucleotide variant.
Coding change: c.1073G>A on transcript NM_022336.4 (MANE Select); coding-DNA position 1073, G replaced by A.
Protein change: p.Arg358Gln; replaces arginine 358 with glutamine.
Molecular consequence: missense variant.
Genome position (GRCh38, 1-based): chr2:108,897,181, C>T on the plus strand (G>A on the coding strand, the complement: EDAR is on the minus strand). VCF-style: chr2-108897181-C-T. GRCh37 (hg19) VCF-style: chr2-109513637-C-T.
Other names: short protein forms R358Q.
Identifiers: ClinVar variation 265471 (VCV000265471.15), dbSNP rs886039564, ClinGen allele CA10588307.

ClinVar aggregate classification (germline): Pathogenic/Likely pathogenic. Review status: criteria provided, multiple submitters, no conflicts (2 of 4 stars). 6 submissions from 6 submitters: Pathogenic (5); Likely pathogenic (1). Last evaluated 2025-12-17.

Conditions:
Ectodermal dysplasia 10A, hypohidrotic/hair/nail type, autosomal dominant (ECTD10A). Also called: Ectodermal Dysplasia 3, Anhidrotic. Identifiers: Orphanet 1810, Orphanet 238468, MedGen C3888065, MONDO:0007509, OMIM 129490.
Autosomal recessive hypohidrotic ectodermal dysplasia syndrome. Also called: Autosomal recessive hypohidrotic ectodermal dysplasia. Identifiers: Orphanet 248, MedGen C0406702, MONDO:0016619.
EDAR-related disorder. Also called: EDAR-related condition.

Allele frequency attached by ClinVar (database versions not stated): gnomAD exomes below 0.00001; TOPMed below 0.00001.
gnomAD v4.1: 2 of 1,613,822 alleles (0.00012%); highest among the groups gnomAD compares: South Asian, 0.0011%; no homozygotes.

Submissions (6):

PreventionGenetics, part of Exact Sciences
Classification: Pathogenic for EDAR-related condition. Last evaluated: 2025-12-17. Review status: criteria provided, single submitter. Criteria: ACMG Guidelines, 2015. Collection method: clinical testing. Allele origin: germline.
Comment: The EDAR c.1073G>A variant is predicted to result in the amino acid substitution p.Arg358Gln. This variant has been reported in the homozygous state in individuals with hypohidrotic ectodermal dysplasia (Shimomura et al. 2009. PubMed ID: 19438931; Masui et al. 2011. PubMed ID: 21876339) and in the heterozygous state in a family from a non-syndromic tooth agenesis cohort (Arte et al. 2013. PubMed ID: 23991204). Functional analysis demonstrated that this variant disrupts binding to EDARADD which interferes with downstream NF- κB activation (Masui et al. 2011. PubMed ID: 21876339; Yagi et al. 2022. PubMed ID: 36258277). Yagi et al. suggest that individuals with damaging biallelic EDAR variants like p.Arg358Gln, may have a more severe phenotype than those who are heterozygous. This variant has not been reported in a large population database (gnomAD), indicating this variant is rare. This variant is interpreted as pathogenic.

Labcorp Genetics (formerly Invitae), Labcorp
Classification: Pathogenic for Ectodermal dysplasia 10A, hypohidrotic/hair/nail type, autosomal dominant; Autosomal recessive hypohidrotic ectodermal dysplasia syndrome. Last evaluated: 2025-07-06. Review status: criteria provided, single submitter. Criteria: Invitae Variant Classification Sherloc (09022015). Collection method: clinical testing. Allele origin: germline.
Comment: This sequence change replaces arginine, which is basic and polar, with glutamine, which is neutral and polar, at codon 358 of the EDAR protein (p.Arg358Gln). This variant is not present in population databases (gnomAD no frequency). This missense change has been observed in individual(s) with autosomal recessive hypohidrotic ectodermal dysplasia (PMID: 19438931, 21876339, 23991204). It has also been observed to segregate with disease in related individuals. ClinVar contains an entry for this variant (Variation ID: 265471). Invitae Evidence Modeling of protein sequence and biophysical properties (such as structural, functional, and spatial information, amino acid conservation, physicochemical variation, residue mobility, and thermodynamic stability) indicates that this missense variant is expected to disrupt EDAR protein function with a positive predictive value of 80%. Experimental studies have shown that this missense change affects EDAR function (PMID: 21876339). For these reasons, this variant has been classified as Pathogenic.

Clinical Genomics Laboratory, Stanford Medicine
Classification: Likely pathogenic for EDAR-related disease. Last evaluated: 2022-02-23. Review status: criteria provided, single submitter. Criteria: ACMG Guidelines, 2015. Collection method: clinical testing. Allele origin: paternal. Affected: yes. Observed: 2 variant alleles, 2 heterozygotes. Clinical features observed: Autism, developmental delay, intellectual disability, bipolar disorder, epilepsy, brachiocephaly, epicanthal folds, hypodontia, pes planus.
Comment: The p.Arg358Gln variant in the EDAR gene has been previously reported in the homozygous state in at least 3 individuals with hypohidrotic ectodermal dysplasia (PMID: 19438931; PMID: 21876339; PMID: 20979233). This variant has also been previously reported in the heterozygous state in 1 individual with hypohidrotic ectodermal dysplasia (PMID: 31796081), and in 3 individuals from 1 family with nonsyndromic tooth agenesis (PMID: 23991204). This variant was absent from large population databases, including the Genome Aggregation Database. This variant is located in an established functional domain of the EDAR protein known as the death domain (PMID: 11780064). Other pathogenic/likely pathogenic variants have been described in this domain (PMID: 20979233). A functional study of the p.Arg358Gln variant demonstrated this variant abolishes protein-protein interaction with EDARADD and markedly reduces activation of the downstream NF-kB signaling (PMID: 21876339). Computational tools predict that the p.Arg358Gln variant is deleterious; however, the accuracy of in silico algorithms is limited. These data were assessed using the ACMG/AMP variant interpretation guidelines. In summary, there is sufficient evidence to classify the p.Arg358Gln variant as likely pathogenic for autosomal dominant and autosomal recessive EDAR-related disease based on the information above. [ACMG evidence codes used: PM1; PM2; PM3; PP1; PP3; PS3_Supporting]

3billion
Classification: Pathogenic for Ectodermal dysplasia 10A, hypohidrotic/hair/nail type, autosomal dominant. Last evaluated: 2022-01-03. Review status: criteria provided, single submitter. Criteria: ACMG Guidelines, 2015. Collection method: clinical testing. Allele origin: germline. Affected: yes. Observed: 1 heterozygote.
Comment: The variant has been observed in multiple (>3) similarly affected unrelated individuals (ClinVar ID: VCV000265471, PMID:19438931, PMID: 23991204, PMID: 21876339, PS4_S). Functional studies provide strong evidence of the variant having a damaging effect on the gene or gene product (PMID: 21876339, PS3_S). It is not observed in the gnomAD v2.1.1 dataset (PM2_M). In silico tool predictions suggest damaging effect of the variant on gene or gene product (REVEL: 0.74, PP3_P). A missense variant is a common mechanism associated with Ectodermal dysplasia 10A (PP2_P).Therefore, this variant is classified as pathogenic according to the recommendation of ACMG/AMP guideline.

Blueprint Genetics
Classification: Pathogenic for EDAR-related disorders. Last evaluated: 2019-04-03. Review status: criteria provided, single submitter. Criteria: ACMG Guidelines, 2015. Collection method: clinical testing. Allele origin: germline. Affected: yes. Observed: 1 variant allele.

GeneDx
Classification: Pathogenic. Last evaluated: 2016-08-16. Review status: criteria provided, single submitter. Criteria: GeneDx Variant Classification (06012015). Collection method: clinical testing. Allele origin: germline. Affected: yes.
Comment: The R358Q pathogenic variant in the EDAR gene has been reported previously in association with hypohidrotic ectodermal dysplasia (HED) when present in the homozygous state (Shimomura et al., 2009; Masui et al., 2011), and has also been reported in the heterozygous state in three related individuals with tooth agenesis (Arte et al., 2013). The R358Q variant was not observed in approximately 6,500 individuals of European and African American ancestry in the NHLBI Exome Sequencing Project, indicating it is not a common benign variant in these populations. The R358Q variant is a semi-conservative amino acid substitution, which may impact secondary protein structure as these residues differ in some properties. This substitution occurs at a position that is conserved across species. Functional studies using transfected HEK293T cells showed that the R358Q EDAR protein lost affinity to EDARADD and markedly reduced activation of the downstream NF-kB signaling (Masui et al., 2011). We interpret R358Q as a pathogenic variant.

Literature cited by the submitters: PubMed 19438931 (cited by 3 submitters); PubMed 21876339 (cited by 3 submitters); PubMed 23991204 (cited by 3 submitters); PubMed 20979233 (cited by Clinical Genomics Laboratory, Stanford Medicine); PubMed 31796081 (cited by Clinical Genomics Laboratory, Stanford Medicine); PubMed 11780064 (cited by Clinical Genomics Laboratory, Stanford Medicine).